The following is an entry in ClinVar:

ClinVar aggregate classification (germline): Benign (0 of 4 stars; one submission).

Conditions:
ATE1-related disorder. Also called: ATE1-related condition.

Allele frequency attached by ClinVar (database versions not stated): ESP Exome Variant Server 0.07822; TOPMed 0.10700; 1000 Genomes Project 30x 0.11165; 1000 Genomes Project 0.11302.
gnomAD v4.1: 141,571 of 1,565,434 alleles (9%); highest among the groups gnomAD compares: Admixed American, 22%; 7,059 homozygotes.

Submission:

PreventionGenetics, part of Exact Sciences
Classification: Benign for ATE1-related condition. Last evaluated: 2019-12-05. Review status: no assertion criteria provided. Collection method: clinical testing. Allele origin: germline.
Comment: This variant is classified as benign based on ACMG/AMP sequence variant interpretation guidelines (Richards et al. 2015 PMID: 25741868, with internal and published modifications).

NM_001001976.3(ATE1):c.9C>T (p.Phe3=)

Gene: ATE1 (arginyltransferase 1; minus strand). Cytogenetic location: 10q26.13.
Variant type: single nucleotide variant.
Coding change: c.9C>T on transcript NM_001001976.3 (MANE Select); coding-DNA position 9, C replaced by T.
Protein change: p.Phe3=; no amino-acid change (phenylalanine 3 retained).
Molecular consequence: synonymous variant. On other transcripts: 5 prime UTR variant (2), intron variant (1).
Genome position (GRCh38, 1-based): chr10:121,927,941, G>A on the plus strand (C>T on the coding strand, the complement: ATE1 is on the minus strand). VCF-style: chr10-121927941-G-A. GRCh37 (hg19) VCF-style: chr10-123687456-G-A.
Other names: c.-233C>T (NM_001288734.2); c.-153C>T (NM_001288735.2); c.9C>T, p.Phe3= (NM_007041.4); c.85+406C>T (NM_001288736.2).
Identifiers: ClinVar variation 3061001 (VCV003061001.2), dbSNP rs79570924, ClinGen allele CA5721797.